The following is an entry in ClinVar:

NM_001084.5(PLOD3):c.339-11_339-3del

Gene: PLOD3 (procollagen-lysine,2-oxoglutarate 5-dioxygenase 3; minus strand). Cytogenetic location: 7q22.1.
Variant type: Deletion.
Coding change: c.339-11_339-3del on transcript NM_001084.5 (MANE Select); 11 bases into the intron before coding-DNA position 339 through 3 bases into the intron before coding-DNA position 339, 9 bases deleted (TCCTCACCC; older notation c.339-11_339-3delTCCTCACCC).
Molecular consequence: intron variant.
Genome position (GRCh38, 1-based): chr7:101,216,329-101,216,337, GGGTGAGGA deleted on the plus strand (TCCTCACCC on the coding strand, the reverse complement: PLOD3 is on the minus strand). VCF-style (leftmost placement, unchanged base first): chr7-101216328-TGGGTGAGGA-T. GRCh37 (hg19) VCF-style: chr7-100859609-TGGGTGAGGA-T.
Identifiers: ClinVar variation 3666905 (VCV003666905.2).
Genomic context (GRCh38, chr7:101,216,328, plus strand): 5'-CACTCTGGACGAACTTCTTCAGCAGCTCTGTGGGGCTGCCGGCCAGAATCACGTCGTAGC[TGGGTGAGGA>T]AGGGGAGGATGGGCAGGGGTCCACTGGGAACCTCAGCATCCTTACCCCGCTCCCTATCCC-3'

ClinVar aggregate classification (germline): Uncertain significance (1 of 4 stars; one submission).

Submission:

Labcorp Genetics (formerly Invitae), Labcorp
Classification: Uncertain significance. Last evaluated: 2025-01-24. Review status: criteria provided, single submitter. Criteria: Invitae Variant Classification Sherloc (09022015). Collection method: clinical testing. Allele origin: germline.
Comment: This sequence change falls in intron 3 of the PLOD3 gene. It does not directly change the encoded amino acid sequence of the PLOD3 protein. It affects a nucleotide within the consensus splice site. This variant is not present in population databases (gnomAD no frequency). This variant has not been reported in the literature in individuals affected with PLOD3-related conditions. Variants that disrupt the consensus splice site are a relatively common cause of aberrant splicing (PMID: 17576681, 9536098). Algorithms developed to predict the effect of sequence changes on RNA splicing suggest that this variant is not likely to affect RNA splicing. In summary, the available evidence is currently insufficient to determine the role of this variant in disease. Therefore, it has been classified as a Variant of Uncertain Significance.

Literature cited by the submitters: PubMed 17576681; PubMed 9536098.